The following is an entry in ClinVar:

ClinVar aggregate classification (germline): Pathogenic/Likely pathogenic. Review status: criteria provided, multiple submitters, no conflicts (2 of 4 stars). 2 submissions from 2 submitters: Pathogenic (1); Likely pathogenic (1). Last evaluated 2024-03-27.

Conditions:
Autosomal recessive polycystic kidney disease (ARPKD). Also called: AR polycystic kidney disease. Identifiers: Orphanet 731, Orphanet 8378, MedGen C0085548, MeSH D017044, MONDO:0009889.

Submissions (2):

Natera, Inc.
Classification: Likely pathogenic for Autosomal recessive polycystic kidney disease. Last evaluated: 2024-03-27. Review status: criteria provided, single submitter. Criteria: Natera Variant Classification Schema (03/2026). Collection method: clinical testing. Allele origin: germline.
Comment: The c.8128C>T variant in PKHD1 is a nonsense variant predicted to introduce a stop codon at amino acid 2710. This variant is expected to result in nonsense mediated decay, truncation, or a dysfunctional protein product. This variant is rare in the general population with a frequency below the threshold expected for the associated phenotype(s). Given the available evidence, this variant is classified as Likely Pathogenic.

Labcorp Genetics (formerly Invitae), Labcorp
Classification: Pathogenic for Autosomal recessive polycystic kidney disease. Last evaluated: 2021-02-16. Review status: criteria provided, single submitter. Criteria: Invitae Variant Classification Sherloc (09022015). Collection method: clinical testing. Allele origin: germline.
Comment: For these reasons, this variant has been classified as Pathogenic. This variant has not been reported in the literature in individuals with PKHD1-related conditions. This variant is not present in population databases (ExAC no frequency). This sequence change creates a premature translational stop signal (p.Gln2710*) in the PKHD1 gene. It is expected to result in an absent or disrupted protein product. Loss-of-function variants in PKHD1 are known to be pathogenic (PMID: 19940839).

Literature cited by the submitters: PubMed 19940839 (cited by Labcorp Genetics (formerly Invitae), Labcorp).

NM_138694.4(PKHD1):c.8128C>T (p.Gln2710Ter)

Gene: PKHD1 (PKHD1 ciliary IPT domain containing fibrocystin/polyductin; minus strand). Cytogenetic location: 6p12.2.
Variant type: single nucleotide variant.
Coding change: c.8128C>T on transcript NM_138694.4 (MANE Select); coding-DNA position 8128, C replaced by T.
Protein change: p.Gln2710Ter; replaces glutamine 2710 with a stop codon.
Molecular consequence: nonsense.
Genome position (GRCh38, 1-based): chr6:51,836,449, G>A on the plus strand (C>T on the coding strand, the complement: PKHD1 is on the minus strand). VCF-style: chr6-51836449-G-A. GRCh37 (hg19) VCF-style: chr6-51701247-G-A.
Other names: c.8128C>T (NM_138694.3); c.8128C>T, p.Gln2710Ter (NM_170724.3); short protein forms Q2710*.
Identifiers: ClinVar variation 1072788 (VCV001072788.8), dbSNP rs2151549840, ClinGen allele CA364426098.
Genomic context (GRCh38, chr6:51,836,449, plus strand): 5'-TGTGTTAATACTCACCTGAAATAGTTGGGGGCATACCTTCCTTCACCCGGAGAATGACTT[G>A]AACTTGGCCTTCACCTGAAACTAAATACCAAAAGCCACAACTTGCATGTGATACAAAGAT-3'